The following is an entry in ClinVar:

NM_002772.3(TMPRSS15):c.1350dup (p.Val451fs)

Gene: TMPRSS15 (transmembrane serine protease 15; minus strand). Cytogenetic location: 21q21.1.
Variant type: Duplication.
Coding change: c.1350dup on transcript NM_002772.3 (MANE Select); coding-DNA position 1350, one base duplicated (A; older notation c.1350dupA).
Protein change: p.Val451fs; shifts the reading frame from valine 451.
Molecular consequence: frameshift variant.
Genome position (GRCh38, 1-based): chr21:18,343,584, T duplicated on the plus strand (A on the coding strand, the reverse complement: TMPRSS15 is on the minus strand). VCF-style (leftmost placement, unchanged base first): chr21-18343583-C-CT. GRCh37 (hg19) VCF-style: chr21-19715900-C-CT.
Other names: short protein forms V451fs.
Identifiers: ClinVar variation 1323696 (VCV001323696.6), dbSNP rs765937590, ClinGen allele CA9984456.
Genomic context (GRCh38, chr21:18,343,583, plus strand): 5'-CATTTAGGGTTACTTGTCCATAATTCCAATTGTCTCCATAATTTCCTTCCTTTTGGAAAA[C>CT]TGTCTTCTCCATATTTTGGTCATTGCTGATATTAATGCTTAATTTATGGACATTTTCACC-3'

ClinVar aggregate classification (germline): Pathogenic/Likely pathogenic. Review status: criteria provided, multiple submitters, no conflicts (2 of 4 stars). 3 submissions from 3 submitters: Pathogenic (2); Likely pathogenic (1). Last evaluated 2026-05-20.

Conditions:
Enterokinase deficiency. Also called: Congenital enteropathy due to enteropeptidase deficiency; ENTEROPEPTIDASE DEFICIENCY; Deficiency of enteropeptidase. Identifiers: Orphanet 168601, MedGen C0268416, MONDO:0009173, OMIM 226200.

Allele frequency attached by ClinVar (database versions not stated): gnomAD exomes 0.00004 and 0.00001; ExAC 0.00005; gnomAD 0.00001.

Submissions (3):

Kasturba Medical College, Manipal, Kasturba Medical College, Manipal, Manipal Academy of Higher Education, Manipal, India
Classification: Pathogenic for Enterokinase deficiency. Last evaluated: 2026-05-20. Review status: criteria provided, single submitter. Criteria: ACMG Guidelines, 2015. Collection method: research. Allele origin: unknown. Inheritance: Autosomal recessive inheritance. Affected: yes. Observed: 1 variant allele, 1 homozygote.
Comment: This variant is present in 20 individuals in heterozygous state and absent in homozygous state in the population database, gnomAD v4.1.0. The variant is absent from our in-house database of 4255 exomes. The variant is predicted to cause a shift in the reading frame of the transcript introducing a premature termination codon which will either lead to the formation of a truncated protein product or nonsense-mediated mRNA decay.

Revvity Omics, Revvity
Classification: Pathogenic for Enterokinase deficiency. Last evaluated: 2019-09-30. Review status: criteria provided, single submitter. Criteria: ACMG Guidelines, 2015. Collection method: clinical testing. Allele origin: germline.

Neuberg Centre For Genomic Medicine, NCGM
Classification: Likely pathogenic for Enterokinase deficiency. Review status: criteria provided, single submitter. Criteria: ACMG Guidelines, 2015. Collection method: clinical testing. Allele origin: germline. Inheritance: Autosomal recessive inheritance. Affected: yes.

Literature cited by the submitters: PubMed 34106441 (cited by Kasturba Medical College, Manipal, Kasturba Medical College, Manipal, Manipal Academy of Higher Education, Manipal, India).